The following is an entry in ClinVar:

ClinVar aggregate classification (germline): Conflicting classifications of pathogenicity. Review status: criteria provided, conflicting classifications (1 of 4 stars). 2 submissions from 2 submitters: Pathogenic (1); Uncertain significance (1). Last evaluated 2025-06-10.

Conditions:
Mucopolysaccharidosis type 7 (MPS7). Also called: MPS VII; BETA-GLUCURONIDASE DEFICIENCY; GUSB DEFICIENCY; SLY SYNDROME. Identifiers: Orphanet 584, MedGen C0085132, MONDO:0009662, OMIM 253220.

Allele frequency attached by ClinVar (database versions not stated): gnomAD exomes below 0.00001 and 0.00001; ExAC 0.00002.
gnomAD v4.1: 2 of 1,611,960 alleles (0.00012%); highest among the groups gnomAD compares: Non-Finnish European, 0.00017%; no homozygotes.

Submissions (2):

Serv. Biochemistry and Molecular genetics, Hospital Clinic de Barcelona, Hospital Clínic de Barcelona
Classification: Pathogenic for Mucopolysaccharidosis type 7. Last evaluated: 2025-06-10. Review status: criteria provided, single submitter. Criteria: ACMG Guidelines, 2015. Collection method: clinical testing, in vitro. Allele origin: germline, not applicable. Inheritance: Autosomal recessive inheritance. Affected: yes. Observed: 3 variant alleles, 2 heterozygotes, 1 homozygote. Functional consequence: loss of function.
Comment: Beta-glucuronidase activity in cultured amniocytes from this pregnancy was 0.2% respect the parallel controls analysed in the same assay. Another hospital found a fetus that presents with hydrops fetalis and has this variant also in homozygosity. In PMID:33686258 the variant was found in compound heterozygosity with another known pathogenic mutation in a fetus with hydrops fetalis. Using ACMG PP2, PP3, and PM2 criteria, the classification of this variant is "likely pathogenic"

Revvity Omics, Revvity
Classification: Uncertain significance for Mucopolysaccharidosis type 7. Last evaluated: 2024-05-20. Review status: criteria provided, single submitter. Criteria: ACMG Guidelines, 2015. Collection method: clinical testing. Allele origin: germline.

Literature cited by the submitters: PubMed 33686258 (cited by Serv. Biochemistry and Molecular genetics, Hospital Clinic de Barcelona, Hospital Clínic de Barcelona).

NM_000181.4(GUSB):c.1747G>A (p.Gly583Arg)

Gene: GUSB (glucuronidase beta; minus strand). Cytogenetic location: 7q11.21.
Variant type: single nucleotide variant.
Coding change: c.1747G>A on transcript NM_000181.4 (MANE Select); coding-DNA position 1747, G replaced by A.
Protein change: p.Gly583Arg; replaces glycine 583 with arginine.
Molecular consequence: missense variant. On other transcripts: non-coding transcript variant (1).
Genome position (GRCh38, 1-based): chr7:65,964,365, C>T on the plus strand (G>A on the coding strand, the complement: GUSB is on the minus strand). VCF-style: chr7-65964365-C-T. GRCh37 (hg19) VCF-style: chr7-65429352-C-T.
Other names: c.1747G>A (NM_000181.3); c.1309G>A, p.Gly437Arg (NM_001284290.2); c.1177G>A, p.Gly393Arg (NM_001293104.2); c.1090G>A, p.Gly364Arg (NM_001293105.2); short protein forms G364R, G393R, G437R, G583R.
Identifiers: ClinVar variation 1679185 (VCV001679185.6), dbSNP rs757015172, ClinGen allele CA4276195.
Genomic context (GRCh38, chr7:65,964,365, plus strand): 5'-AGCCAAACTGCCACTTACACTGTTCAGTCATGAAATCGGCAAAATTCCAAATGAGCTCTC[C>T]AACCACGTATTTTCTGCGTTTTTGATCCAGACCCAGATGGTACTGCTCTAGCAGACTTTT-3'
Protein context (NP_000172.2, residues 573-593): LDQKRRKYVV[Gly583Arg]ELIWNFADFM